The following is an entry in ClinVar:

NM_020911.2(PLXNA4):c.3426G>A (p.Pro1142=)

Gene: PLXNA4 (plexin A4; minus strand). Cytogenetic location: 7q32.3.
Variant type: single nucleotide variant.
Coding change: c.3426G>A on transcript NM_020911.2 (MANE Select); coding-DNA position 3426, G replaced by A.
Protein change: p.Pro1142=; no amino-acid change (proline 1142 retained).
Molecular consequence: synonymous variant.
Genome position (GRCh38, 1-based): chr7:132,181,447, C>T on the plus strand (G>A on the coding strand, the complement: PLXNA4 is on the minus strand). VCF-style: chr7-132181447-C-T. GRCh37 (hg19) VCF-style: chr7-131866206-C-T.
Other names: c.3426G>A, p.Pro1142= (NM_001393897.1).
Identifiers: ClinVar variation 3056319 (VCV003056319.2), dbSNP rs17166227, ClinGen allele CA4489500.

ClinVar aggregate classification (germline): Benign (0 of 4 stars; one submission).

Conditions:
PLXNA4-related disorder. Also called: PLXNA4-related condition.

Allele frequency attached by ClinVar (database versions not stated): gnomAD exomes 0.04612; ExAC 0.04799; 1000 Genomes Project 0.07149; 1000 Genomes Project 30x 0.07511; gnomAD 0.07685; ESP Exome Variant Server 0.08034; TOPMed 0.08213.
gnomAD v4.1: 79,553 of 1,614,008 alleles (4.9%); highest among the groups gnomAD compares: African/African-American, 17%; 2,619 homozygotes.

Submission:

PreventionGenetics, part of Exact Sciences
Classification: Benign for PLXNA4-related condition. Last evaluated: 2023-01-03. Review status: no assertion criteria provided. Collection method: clinical testing. Allele origin: germline.
Comment: This variant is classified as benign based on ACMG/AMP sequence variant interpretation guidelines (Richards et al. 2015 PMID: 25741868, with internal and published modifications).